The following is an entry in ClinVar:

NM_001039876.3(SYNE4):c.511_526del (p.Arg171fs)

Gene: SYNE4 (spectrin repeat containing nuclear envelope family member 4; minus strand). Cytogenetic location: 19q13.12.
Variant type: Deletion.
Coding change: c.511_526del on transcript NM_001039876.3 (MANE Select); coding-DNA positions 511 to 526, 16 bases deleted (AGGGCCTGGGCAGCCC).
Protein change: p.Arg171fs; shifts the reading frame from arginine 171.
Molecular consequence: frameshift variant. On other transcripts: intron variant (1).
Genome position (GRCh38, 1-based): chr19:36,006,842-36,006,857, GGGCTGCCCAGGCCCT deleted on the plus strand (AGGGCCTGGGCAGCCC on the coding strand, the reverse complement: SYNE4 is on the minus strand); deleting any 16 consecutive bases within chr19:36,006,842-36,006,862 gives the same sequence; the c. name uses the placement nearest the transcript's 3' end. VCF-style (leftmost placement, unchanged base first): chr19-36006841-AGGGCTGCCCAGGCCCT-A. GRCh37 (hg19) VCF-style: chr19-36497743-AGGGCTGCCCAGGCCCT-A.
Other names: c.280-186_280-171del (NM_001297735.3); short protein forms R171fs.
Identifiers: ClinVar variation 504047 (VCV000504047.1), dbSNP rs1555785625, ClinGen allele CA658799192.

ClinVar aggregate classification (germline): Pathogenic (1 of 4 stars; one submission).

Submission:

GeneDx
Classification: Pathogenic. Last evaluated: 2018-02-13. Review status: criteria provided, single submitter. Criteria: GeneDx Variant Classification (06012015). Collection method: clinical testing. Allele origin: germline. Affected: yes.
Comment: The c.511_526del16 variant has not been published previously to our knowledge. It causes a frameshift starting with codon Arginine 171, changes this amino acid to a Tryptophan residue and creates a premature Stop codon at position 94 of the new reading frame, denoted p.Arg171TrpfsX94. This variant is predicted to cause loss of normal protein function either through protein truncation or nonsense-mediated mRNA decay. The variant is not observed in large population cohorts (Lek et al., 2016). In summary, we consider this variant to be pathogenic.